The following is an entry in ClinVar:

NM_001100913.3(PACS2):c.1181A>C (p.Glu394Ala)

Gene: PACS2 (phosphofurin acidic cluster sorting protein 2; plus strand). Cytogenetic location: 14q32.33.
Variant type: single nucleotide variant.
Coding change: c.1181A>C on transcript NM_001100913.3 (MANE Select); coding-DNA position 1181, A replaced by C.
Protein change: p.Glu394Ala; replaces glutamic acid 394 with alanine.
Molecular consequence: missense variant.
Genome position (GRCh38, 1-based): chr14:105,381,012, A>C. VCF-style: chr14-105381012-A-C. GRCh37 (hg19) VCF-style: chr14-105847349-A-C.
Other names: c.956A>C, p.Glu319Ala (NM_001243127.3); c.1181A>C, p.Glu394Ala (NM_015197.4); short protein forms E319A, E394A.
Identifiers: ClinVar variation 1516426 (VCV001516426.7), dbSNP rs972818545, ClinGen allele CA266574442.

ClinVar aggregate classification (germline): Uncertain significance. Review status: criteria provided, multiple submitters, no conflicts (2 of 4 stars). 2 submissions from 2 submitters: Uncertain significance (2). Last evaluated 2021-08-30.

Conditions:
Intellectual disability. Also called: Intellectual functioning disability; Intellectual developmental disorder; intellectual disabilities. Identifiers: MedGen C3714756, MeSH D008607, MONDO:0001071, HP:0001249.

Allele frequency attached by ClinVar (database versions not stated): gnomAD exomes 0.00001; TOPMed 0.00001.
gnomAD v4.1: 17 of 1,612,374 alleles (0.0011%); highest among the groups gnomAD compares: Non-Finnish European, 0.0014%; no homozygotes.

Submissions (2):

Labcorp Genetics (formerly Invitae), Labcorp
Classification: Uncertain significance. Last evaluated: 2021-08-30. Review status: criteria provided, single submitter. Criteria: Invitae Variant Classification Sherloc (09022015). Collection method: clinical testing. Allele origin: germline.
Comment: This sequence change replaces glutamic acid with alanine at codon 394 of the PACS2 protein (p.Glu394Ala). The glutamic acid residue is highly conserved and there is a moderate physicochemical difference between glutamic acid and alanine. This variant is not present in population databases (ExAC no frequency). This variant has not been reported in the literature in individuals affected with PACS2-related conditions. Algorithms developed to predict the effect of missense changes on protein structure and function (SIFT, PolyPhen-2, Align-GVGD) all suggest that this variant is likely to be disruptive. In summary, the available evidence is currently insufficient to determine the role of this variant in disease. Therefore, it has been classified as a Variant of Uncertain Significance.

Cambridge Genomics Laboratory, East Genomic Laboratory Hub, NHS Genomic Medicine Service
Classification: Uncertain significance for Intellectual disability. Last evaluated: 2020-03-20. Review status: criteria provided, single submitter. Criteria: ACGS Best Practice Guidelines for Variant Classification in Rare Disease 2020. Collection method: clinical testing. Allele origin: germline. Affected: yes. Observed: 1 variant allele.